The following is an entry in ClinVar:

Single allele

Genes: CACNG2 (calcium voltage-gated channel auxiliary subunit gamma 2; minus strand), EIF3D (eukaryotic translation initiation factor 3 subunit D; minus strand), FOXRED2 (FAD dependent oxidoreductase domain containing 2; minus strand), TXN2 (thioredoxin 2; minus strand). Cytogenetic location: 22q12.3.
Variant type: Duplication.
Identifiers: ClinVar variation 560096 (VCV000560096.3).

ClinVar aggregate classification (germline): Uncertain significance (1 of 4 stars; one submission).

Submission:

Geisinger Autism and Developmental Medicine Institute, Geisinger Health System
Classification: Uncertain significance. Last evaluated: 2017-10-30. Review status: criteria provided, single submitter. Criteria: ACMG CNV Guidelines, 2011. Collection method: provider interpretation. Allele origin: paternal.
Comment: The 211 kilobase duplication on chromosome 22 contains 4 genes (TXN2, FOXRED2, EIF3D, and a portion of CACNG2), none of which are known to be associated with a clinical disorder when duplicated. The TXN2 gene is associated with autosomal recessive oxidative phosphylation deficiency- 29 and CACNG2 has been reported to cause autosomal dominant intellectual disability due to loss of function variants. A smaller overlapping duplication was identified in a developmental delay cohort (nsv1064827). An overlapping duplication has also been reported in a control (nsv1060004).

Literature cited by the submitters: PubMed 25217958.